The following is an entry in ClinVar:

NM_000179.3(MSH6):c.1223C>T (p.Pro408Leu)

Gene: MSH6 (mutS homolog 6; plus strand). Cytogenetic location: 2p16.3.
Variant type: single nucleotide variant.
Coding change: c.1223C>T on transcript NM_000179.3 (MANE Select); coding-DNA position 1223, C replaced by T.
Protein change: p.Pro408Leu; replaces proline 408 with leucine.
Molecular consequence: missense variant. On other transcripts: non-coding transcript variant (4), intron variant (1).
Genome position (GRCh38, 1-based): chr2:47,799,206, C>T. VCF-style: chr2-47799206-C-T. GRCh37 (hg19) VCF-style: chr2-48026345-C-T.
Other names: c.1223C>T, p.Pro408Leu (NM_001406803.1, NM_001406808.1, NM_001406809.1 and 4 more transcripts); c.1145C>T, p.Pro382Leu (NM_001406804.1); c.926C>T, p.Pro309Leu (NM_001406805.1, NM_001406824.1, NM_001406825.1 and 10 more transcripts); c.698C>T, p.Pro233Leu (NM_001406806.1, NM_001406807.1, NM_001406799.1); c.317C>T, p.Pro106Leu (NM_001406811.1, NM_001406812.1, NM_001406823.1 and 6 more transcripts); c.1229C>T, p.Pro410Leu (NM_001406813.1); c.1055C>T, p.Pro352Leu (NM_001406826.1); c.833C>T, p.Pro278Leu (NM_001281492.2); and 2 more; short protein forms P233L, P352L, P408L, P278L, P382L, P106L, P309L, P410L.
Identifiers: ClinVar variation 5024938 (VCV005024938.1).

ClinVar aggregate classification (germline): Uncertain significance (1 of 4 stars; one submission).

Conditions:
Hereditary cancer-predisposing syndrome. Also called: Neoplastic Syndromes, Hereditary; Tumor predisposition; Hereditary neoplastic syndrome; Hereditary Cancer Syndrome. Identifiers: Orphanet 140162, MedGen C0027672, MeSH D009386, MONDO:0015356.

gnomAD v4.1: 1 of 1,614,128 alleles (0.000062%); highest among the groups gnomAD compares: Admixed American, 0.0017%; no homozygotes.

Submission:

Ambry Genetics
Classification: Uncertain significance for Hereditary cancer-predisposing syndrome. Last evaluated: 2026-09-11. Review status: criteria provided, single submitter. Criteria: Ambry Variant Classification Scheme 2023. Collection method: clinical testing. Allele origin: germline.
Comment: The p.P408L variant (also known as c.1223C>T), located in coding exon 4 of the MSH6 gene, results from a C to T substitution at nucleotide position 1223. The proline at codon 408 is replaced by leucine, an amino acid with similar properties. This amino acid position is highly conserved in available vertebrate species. In addition, this alteration is predicted to be deleterious by in silico analysis. Based on the available evidence, the clinical significance of this variant remains unclear.